The following is an entry in ClinVar:

NM_000742.4(CHRNA2):c.35C>T (p.Thr12Ile)

Gene: CHRNA2 (cholinergic receptor nicotinic alpha 2 subunit; minus strand). Cytogenetic location: 8p21.2.
Variant type: single nucleotide variant.
Coding change: c.35C>T on transcript NM_000742.4 (MANE Select); coding-DNA position 35, C replaced by T.
Protein change: p.Thr12Ile; replaces threonine 12 with isoleucine.
Molecular consequence: missense variant. On other transcripts: 5 prime UTR variant (4).
Genome position (GRCh38, 1-based): chr8:27,471,024, G>A on the plus strand (C>T on the coding strand, the complement: CHRNA2 is on the minus strand). VCF-style: chr8-27471024-G-A. GRCh37 (hg19) VCF-style: chr8-27328541-G-A.
Other names: c.35C>T, p.Thr12Ile (NM_001282455.2); c.-393C>T (NM_001347705.2); c.-438C>T (NM_001347706.2); c.-379C>T (NM_001347707.2); c.-427C>T (NM_001347708.2); short protein forms T12I.
Identifiers: ClinVar variation 2794647 (VCV002794647.3), dbSNP rs2490581672, ClinGen allele CA370813817.

ClinVar aggregate classification (germline): Uncertain significance (1 of 4 stars; one submission).

Conditions:
Familial sleep-related hypermotor epilepsy. Also called: Autosomal Dominant Sleep-Related Hypermotor (Hyperkinetic) Epilepsy. Identifiers: Orphanet 98784, MedGen C3696898, MONDO:0000030.

Submission:

Labcorp Genetics (formerly Invitae), Labcorp
Classification: Uncertain significance. Last evaluated: 2023-08-28. Review status: criteria provided, single submitter. Criteria: Invitae Variant Classification Sherloc (09022015). Collection method: clinical testing. Allele origin: germline.
Comment: In summary, the available evidence is currently insufficient to determine the role of this variant in disease. Therefore, it has been classified as a Variant of Uncertain Significance. Advanced modeling of protein sequence and biophysical properties (such as structural, functional, and spatial information, amino acid conservation, physicochemical variation, residue mobility, and thermodynamic stability) performed at Invitae indicates that this missense variant is not expected to disrupt CHRNA2 protein function. This variant has not been reported in the literature in individuals affected with CHRNA2-related conditions. This variant is not present in population databases (gnomAD no frequency). This sequence change replaces threonine, which is neutral and polar, with isoleucine, which is neutral and non-polar, at codon 12 of the CHRNA2 protein (p.Thr12Ile).